The following is an entry in ClinVar:

NM_002693.3(POLG):c.1709C>T (p.Pro570Leu)

Gene: POLG (DNA polymerase gamma, catalytic subunit; minus strand). Cytogenetic location: 15q26.1.
Variant type: single nucleotide variant.
Coding change: c.1709C>T on transcript NM_002693.3 (MANE Select); coding-DNA position 1709, C replaced by T.
Protein change: p.Pro570Leu; replaces proline 570 with leucine.
Molecular consequence: missense variant.
Genome position (GRCh38, 1-based): chr15:89,326,615, G>A on the plus strand (C>T on the coding strand, the complement: POLG is on the minus strand). VCF-style: chr15-89326615-G-A. GRCh37 (hg19) VCF-style: chr15-89869846-G-A.
Other names: c.1709C>T, p.Pro570Leu (NM_001126131.2); short protein forms P570L.
Identifiers: ClinVar variation 1387028 (VCV001387028.8), dbSNP rs780695124, ClinGen allele CA7724729.

ClinVar aggregate classification (germline): Conflicting classifications of pathogenicity. Review status: criteria provided, conflicting classifications (1 of 4 stars). 2 submissions from 2 submitters: Likely pathogenic (1); Uncertain significance (1). Last evaluated 2025-02-07.

Conditions:
Progressive sclerosing poliodystrophy (MTDPS4A). Also called: Mitochondrial DNA depletion syndrome 4A (Alpers type); ALPERS PROGRESSIVE INFANTILE POLIODYSTROPHY; NEURONAL DEGENERATION OF CHILDHOOD WITH LIVER DISEASE, PROGRESSIVE; Mitochondrial DNA Depletion Syndrome 4A; Alpers-Huttenlocher Syndrome (AHS); Alpers Syndrome. Identifiers: Orphanet 726, MedGen C0205710, MONDO:0008758, OMIM 203700.

Allele frequency attached by ClinVar (database versions not stated): ExAC 0.00001; gnomAD exomes 0.00001; TOPMed 0.00001; gnomAD 0.00002.

Submissions (2):

Labcorp Genetics (formerly Invitae), Labcorp
Classification: Uncertain significance for Progressive sclerosing poliodystrophy. Last evaluated: 2025-02-07. Review status: criteria provided, single submitter. Criteria: Invitae Variant Classification Sherloc (09022015). Collection method: clinical testing. Allele origin: germline.
Comment: This sequence change replaces proline, which is neutral and non-polar, with leucine, which is neutral and non-polar, at codon 570 of the POLG protein (p.Pro570Leu). This variant is present in population databases (rs780695124, gnomAD 0.002%). This variant has not been reported in the literature in individuals affected with POLG-related conditions. ClinVar contains an entry for this variant (Variation ID: 1387028). Invitae Evidence Modeling of protein sequence and biophysical properties (such as structural, functional, and spatial information, amino acid conservation, physicochemical variation, residue mobility, and thermodynamic stability) indicates that this missense variant is expected to disrupt POLG protein function with a positive predictive value of 95%. In summary, the available evidence is currently insufficient to determine the role of this variant in disease. Therefore, it has been classified as a Variant of Uncertain Significance.

GeneDx
Classification: Likely pathogenic. Last evaluated: 2024-07-16. Review status: criteria provided, single submitter. Criteria: GeneDx Variant Classification Process June 2021. Collection method: clinical testing. Allele origin: germline. Affected: yes.
Comment: Has not been previously published as pathogenic or benign to our knowledge; Not observed at significant frequency in large population cohorts (gnomAD); In silico analysis supports that this missense variant has a deleterious effect on protein structure/function